The following is an entry in ClinVar:

NM_006514.4(SCN10A):c.3091G>A (p.Glu1031Lys)

Genes: SCN10A (sodium voltage-gated channel alpha subunit 10; minus strand), LOC110121288 (VISTA enhancer hs2268; plus strand). Cytogenetic location: 3p22.2.
Variant type: single nucleotide variant.
Coding change: c.3091G>A on transcript NM_006514.4 (MANE Select); coding-DNA position 3091, G replaced by A.
Protein change: p.Glu1031Lys; replaces glutamic acid 1031 with lysine.
Molecular consequence: missense variant.
Genome position (GRCh38, 1-based): chr3:38,725,311, C>T on the plus strand (G>A on the coding strand, the complement: SCN10A is on the minus strand). VCF-style: chr3-38725311-C-T. GRCh37 (hg19) VCF-style: chr3-38766802-C-T.
Other names: p.Glu1031Lys; c.3091G>A (NM_006514.3); c.3088G>A, p.Glu1030Lys (NM_001293306.2); c.2797G>A, p.Glu933Lys (NM_001293307.2); short protein forms E1031K, E933K, E1030K.
Identifiers: ClinVar variation 1727472 (VCV001727472.4), dbSNP rs753759590, ClinGen allele CA2320355.

ClinVar aggregate classification (germline): Uncertain significance. Review status: criteria provided, multiple submitters, no conflicts (2 of 4 stars). 2 submissions from 2 submitters: Uncertain significance (2). Last evaluated 2025-06-20.

Conditions:
Cardiovascular phenotype. Identifiers: MedGen CN230736.

Allele frequency attached by ClinVar (database versions not stated): gnomAD 0.00001; TOPMed below 0.00001; gnomAD exomes below 0.00001; ExAC 0.00001.
gnomAD v4.1: 6 of 1,576,652 alleles (0.00038%); highest among the groups gnomAD compares: Non-Finnish European, 0.00052%; no homozygotes.

Submissions (2):

Mayo Clinic Laboratories, Mayo Clinic
Classification: Uncertain significance. Last evaluated: 2025-06-20. Review status: criteria provided, single submitter. Criteria: ACMG Guidelines, 2015. Collection method: clinical testing. Allele origin: germline. Observed: 1 variant allele.

Ambry Genetics
Classification: Uncertain significance for Cardiovascular phenotype. Last evaluated: 2025-04-05. Review status: criteria provided, single submitter. Criteria: Ambry Variant Classification Scheme 2023. Collection method: clinical testing. Allele origin: germline.
Comment: The p.E1031K variant (also known as c.3091G>A), located in coding exon 17 of the SCN10A gene, results from a G to A substitution at nucleotide position 3091. The glutamic acid at codon 1031 is replaced by lysine, an amino acid with similar properties. This amino acid position is conserved. In addition, the in silico prediction for this alteration is inconclusive. Since supporting evidence is limited at this time, the clinical significance of this alteration remains unclear.